The following is an entry in ClinVar:

ClinVar aggregate classification (germline): Uncertain significance. Review status: criteria provided, multiple submitters, no conflicts (2 of 4 stars). 2 submissions from 2 submitters: Uncertain significance (2). Last evaluated 2024-11-14.

Conditions:
Nephronophthisis 9 (NPHP9). Identifiers: Orphanet 655, MedGen C3151188, MONDO:0013444, OMIM 613824.
Inborn genetic diseases. Identifiers: MedGen C0950123, MeSH D030342.

Allele frequency attached by ClinVar (database versions not stated): gnomAD exomes below 0.00001; TOPMed below 0.00001.
gnomAD v4.1: 3 of 1,610,724 alleles (0.00019%); highest among the groups gnomAD compares: Non-Finnish European, 0.00025%; no homozygotes.

Submissions (2):

Ambry Genetics
Classification: Uncertain significance for Inborn genetic diseases. Last evaluated: 2024-11-14. Review status: criteria provided, single submitter. Criteria: Ambry Variant Classification Scheme 2023. Collection method: clinical testing. Allele origin: germline.

Labcorp Genetics (formerly Invitae), Labcorp
Classification: Uncertain significance for Nephronophthisis 9. Last evaluated: 2022-03-04. Review status: criteria provided, single submitter. Criteria: Invitae Variant Classification Sherloc (09022015). Collection method: clinical testing. Allele origin: germline.
Comment: In summary, the available evidence is currently insufficient to determine the role of this variant in disease. Therefore, it has been classified as a Variant of Uncertain Significance. Algorithms developed to predict the effect of missense changes on protein structure and function are either unavailable or do not agree on the potential impact of this missense change (SIFT: "Deleterious"; PolyPhen-2: "Probably Damaging"; Align-GVGD: "Class C0"). This variant has not been reported in the literature in individuals affected with NEK8-related conditions. This variant is not present in population databases (gnomAD no frequency). This sequence change replaces alanine, which is neutral and non-polar, with serine, which is neutral and polar, at codon 160 of the NEK8 protein (p.Ala160Ser).

NM_178170.3(NEK8):c.478G>T (p.Ala160Ser)

Gene: NEK8 (NIMA related kinase 8; plus strand). Cytogenetic location: 17q11.2.
Variant type: single nucleotide variant.
Coding change: c.478G>T on transcript NM_178170.3 (MANE Select); coding-DNA position 478, G replaced by T.
Protein change: p.Ala160Ser; replaces alanine 160 with serine.
Molecular consequence: missense variant.
Genome position (GRCh38, 1-based): chr17:28,734,996, G>T. VCF-style: chr17-28734996-G-T. GRCh37 (hg19) VCF-style: chr17-27062014-G-T.
Other names: c.478G>T (NM_178170.2); short protein forms A160S.
Identifiers: ClinVar variation 2167828 (VCV002167828.5), dbSNP rs2034348790, ClinGen allele CA398425090.